The following is an entry in ClinVar:

NM_004036.5(ADCY3):c.3132G>T (p.Met1044Ile)

Genes: ADCY3 (adenylate cyclase 3; minus strand), CENPO (centromere protein O; plus strand). Cytogenetic location: 2p23.3.
Variant type: single nucleotide variant.
Coding change: c.3132G>T on transcript NM_004036.5 (MANE Select); coding-DNA position 3132, G replaced by T.
Protein change: p.Met1044Ile; replaces methionine 1044 with isoleucine.
Molecular consequence: missense variant. On other transcripts: 3 prime UTR variant (3), non-coding transcript variant (3).
Genome position (GRCh38, 1-based): chr2:24,820,844, C>A on the plus strand (G>T on the coding strand, the complement: ADCY3 is on the minus strand). VCF-style: chr2-24820844-C-A. GRCh37 (hg19) VCF-style: chr2-25043713-C-A.
Other names: c.3135G>T, p.Met1045Ile (NM_001320613.2); c.3198G>T, p.Met1066Ile (NM_001377128.1); c.2994G>T, p.Met998Ile (NM_001377129.1); c.2580G>T, p.Met860Ile (NM_001377130.1); c.2409G>T, p.Met803Ile (NM_001377131.1); c.3132G>T, p.Met1044Ile (NM_001377132.1); c.*1526C>A (NM_001199803.3, NM_001322101.2, NM_024322.4); short protein forms M1044I, M860I, M998I, M803I, M1066I, M1045I.
Identifiers: ClinVar variation 4978477 (VCV004978477.1).

ClinVar aggregate classification (germline): Uncertain significance (1 of 4 stars; one submission).

Conditions:
ADCY3-related disorder. Also called: ADCY3-related condition.

gnomAD v4.1: 7 of 1,613,838 alleles (0.00043%); highest among the groups gnomAD compares: African/African-American, 0.0093%; no homozygotes.

Submission:

PreventionGenetics, part of Exact Sciences
Classification: Uncertain significance for ADCY3-related condition. Last evaluated: 2025-08-22. Review status: criteria provided, single submitter. Criteria: ACMG Guidelines, 2015. Collection method: clinical testing. Allele origin: germline.
Comment: The ADCY3 c.3135G>T variant is predicted to result in the amino acid substitution p.Met1045Ile. To our knowledge, this variant has not been reported in the literature. This variant is reported in 0.0080% of alleles in individuals of African descent in gnomAD. At this time, the clinical significance of this variant is uncertain due to the absence of conclusive functional and genetic evidence.